The following is an entry in ClinVar:

ClinVar aggregate classification (germline): Uncertain significance. Review status: criteria provided, multiple submitters, no conflicts (2 of 4 stars). 2 submissions from 2 submitters: Uncertain significance (2). Last evaluated 2025-07-25.

Conditions:
Immunodeficiency-centromeric instability-facial anomalies syndrome 2 (ICF2). Identifiers: Orphanet 2268, MedGen C3279748, MONDO:0013553, OMIM 614069.

Allele frequency attached by ClinVar (database versions not stated): gnomAD exomes 0.00001; TOPMed below 0.00001; ExAC 0.00001; gnomAD 0.00001.
gnomAD v4.1: 9 of 1,614,044 alleles (0.00056%); highest among the groups gnomAD compares: African/African-American, 0.0013%; no homozygotes.

Submissions (2):

ARUP Laboratories, Molecular Genetics and Genomics, ARUP Laboratories
Classification: Uncertain significance for Immunodeficiency-centromeric instability-facial anomalies syndrome 2. Last evaluated: 2025-07-25. Review status: criteria provided, single submitter. Criteria: ARUP Molecular Germline Variant Investigation Process 2024. Collection method: clinical testing. Allele origin: germline.
Comment: The ZBTB24 c.1501C>T; p.Arg501Cys variant (rs761036277), to our knowledge, is not reported in the medical literature but is reported in ClinVar (Variation ID: 969311). This variant is only observed on two alleles in the Genome Aggregation Database (v2.1.1), indicating it is not a common polymorphism. Computational analyses are uncertain whether this variant is neutral or deleterious (REVEL: 0.399). Due to limited information, the clinical significance of this variant is uncertain at this time.

Labcorp Genetics (formerly Invitae), Labcorp
Classification: Uncertain significance for Immunodeficiency-centromeric instability-facial anomalies syndrome 2. Last evaluated: 2022-05-27. Review status: criteria provided, single submitter. Criteria: Invitae Variant Classification Sherloc (09022015). Collection method: clinical testing. Allele origin: germline.
Comment: This sequence change replaces arginine, which is basic and polar, with cysteine, which is neutral and slightly polar, at codon 501 of the ZBTB24 protein (p.Arg501Cys). This variant is present in population databases (rs761036277, gnomAD 0.007%). This variant has not been reported in the literature in individuals affected with ZBTB24-related conditions. ClinVar contains an entry for this variant (Variation ID: 969311). Algorithms developed to predict the effect of missense changes on protein structure and function are either unavailable or do not agree on the potential impact of this missense change (SIFT: "Not Available"; PolyPhen-2: "Probably Damaging"; Align-GVGD: "Not Available"). In summary, the available evidence is currently insufficient to determine the role of this variant in disease. Therefore, it has been classified as a Variant of Uncertain Significance.

NM_014797.3(ZBTB24):c.1501C>T (p.Arg501Cys)

Gene: ZBTB24 (zinc finger and BTB domain containing 24; minus strand). Cytogenetic location: 6q21.
Variant type: single nucleotide variant.
Coding change: c.1501C>T on transcript NM_014797.3 (MANE Select); coding-DNA position 1501, C replaced by T.
Protein change: p.Arg501Cys; replaces arginine 501 with cysteine.
Molecular consequence: missense variant.
Genome position (GRCh38, 1-based): chr6:109,466,444, G>A on the plus strand (C>T on the coding strand, the complement: ZBTB24 is on the minus strand). VCF-style: chr6-109466444-G-A. GRCh37 (hg19) VCF-style: chr6-109787647-G-A.
Other names: short protein forms R501C.
Identifiers: ClinVar variation 969311 (VCV000969311.7), dbSNP rs761036277, ClinGen allele CA3954060.